The following is an entry in ClinVar:

ClinVar aggregate classification (germline): Pathogenic (1 of 4 stars; one submission).

Conditions:
Senior-Loken syndrome 7 (SLSN7). Identifiers: Orphanet 3156, MedGen C3150877, MONDO:0013326, OMIM 613615.
Bardet-Biedl syndrome 16 (BBS16). Identifiers: Orphanet 110, MedGen C3889474, MONDO:0014444, OMIM 615993.

Submission:

Labcorp Genetics (formerly Invitae), Labcorp
Classification: Pathogenic for Bardet-Biedl syndrome 16; Senior-Loken syndrome 7. Last evaluated: 2022-12-22. Review status: criteria provided, single submitter. Criteria: Invitae Variant Classification Sherloc (09022015). Collection method: clinical testing. Allele origin: germline.
Comment: For these reasons, this variant has been classified as Pathogenic. This variant has not been reported in the literature in individuals affected with SDCCAG8-related conditions. This variant is not present in population databases (gnomAD no frequency). This sequence change creates a premature translational stop signal (p.Glu474Glyfs*10) in the SDCCAG8 gene. It is expected to result in an absent or disrupted protein product. Loss-of-function variants in SDCCAG8 are known to be pathogenic (PMID: 20835237, 22190896).

Literature cited by the submitters: PubMed 20835237; PubMed 22190896.

NM_006642.5(SDCCAG8):c.1418dup (p.Glu474fs)

Gene: SDCCAG8 (SHH signaling and ciliogenesis regulator SDCCAG8; plus strand). Cytogenetic location: 1q43.
Variant type: Duplication.
Coding change: c.1418dup on transcript NM_006642.5 (MANE Select); coding-DNA position 1418, one base duplicated (A; older notation c.1418dupA).
Protein change: p.Glu474fs; shifts the reading frame from glutamic acid 474.
Molecular consequence: frameshift variant.
Genome position (GRCh38, 1-based): chr1:243,344,276, A duplicated; the last of 4 consecutive A bases (chr1:243,344,273-243,344,276); duplicating any one gives the same sequence. VCF-style (leftmost placement, unchanged base first): chr1-243344272-G-GA. GRCh37 (hg19) VCF-style: chr1-243507574-G-GA.
Other names: c.515dup, p.Glu173fs (NM_001350246.2, NM_001350247.2, NM_001350251.2); c.1514dup, p.Glu506fs (NM_001350248.2); c.1124dup, p.Glu376fs (NM_001350249.2); short protein forms E173fs, E376fs, E474fs, E506fs.
Identifiers: ClinVar variation 2942587 (VCV002942587.3), dbSNP rs2528047823, ClinGen allele CA2740092666.